The following is an entry in ClinVar:

NM_001369369.1(FOXN1):c.190C>T (p.Pro64Ser)

Gene: FOXN1 (forkhead box N1; plus strand). Cytogenetic location: 17q11.2.
Variant type: single nucleotide variant.
Coding change: c.190C>T on transcript NM_001369369.1 (MANE Select); coding-DNA position 190, C replaced by T.
Protein change: p.Pro64Ser; replaces proline 64 with serine.
Molecular consequence: missense variant.
Genome position (GRCh38, 1-based): chr17:28,524,569, C>T. VCF-style: chr17-28524569-C-T. GRCh37 (hg19) VCF-style: chr17-26851587-C-T.
Other names: c.190C>T, p.Pro64Ser (NM_003593.3); short protein forms P64S.
Identifiers: ClinVar variation 4766274 (VCV004766274.1).

ClinVar aggregate classification (germline): Uncertain significance (1 of 4 stars; one submission).

Conditions:
T-cell immunodeficiency, congenital alopecia, and nail dystrophy. Also called: Congenital alopecia and nail dystrophy associated with severe functional T-cell immunodeficiency; Pignata Guarino syndrome. Identifiers: Orphanet 169095, MedGen C1866426, MONDO:0011132, OMIM 601705.

gnomAD v4.1: 5 of 1,613,632 alleles (0.00031%); highest among the groups gnomAD compares: Non-Finnish European, 0.00042%; no homozygotes.

Submission:

Labcorp Genetics (formerly Invitae), Labcorp
Classification: Uncertain significance for T-cell immunodeficiency, congenital alopecia, and nail dystrophy. Last evaluated: 2025-08-30. Review status: criteria provided, single submitter. Criteria: Invitae Variant Classification Sherloc (09022015). Collection method: clinical testing. Allele origin: germline.
Comment: This sequence change replaces proline, which is neutral and non-polar, with serine, which is neutral and polar, at codon 64 of the FOXN1 protein (p.Pro64Ser). This variant is not present in population databases (gnomAD no frequency). This variant has not been reported in the literature in individuals affected with FOXN1-related conditions. Invitae Evidence Modeling of protein sequence and biophysical properties (such as structural, functional, and spatial information, amino acid conservation, physicochemical variation, residue mobility, and thermodynamic stability) indicates that this missense variant is not expected to disrupt FOXN1 protein function with a negative predictive value of 80%. In summary, the available evidence is currently insufficient to determine the role of this variant in disease. Therefore, it has been classified as a Variant of Uncertain Significance.